The following is an entry in ClinVar:

NM_000038.6(APC):c.2662G>C (p.Ala888Pro)

Gene: APC (APC regulator of Wnt signaling pathway; plus strand). Cytogenetic location: 5q22.2.
Variant type: single nucleotide variant.
Coding change: c.2662G>C on transcript NM_000038.6 (MANE Select); coding-DNA position 2662, G replaced by C.
Protein change: p.Ala888Pro; replaces alanine 888 with proline.
Molecular consequence: missense variant.
Genome position (GRCh38, 1-based): chr5:112,838,256, G>C. VCF-style: chr5-112838256-G-C. GRCh37 (hg19) VCF-style: chr5-112173953-G-C.
Other names: c.2662G>C (NM_000038.5); c.2662G>C, p.Ala888Pro (NM_001127510.3, NM_001354895.2); c.2608G>C, p.Ala870Pro (NM_001127511.3); c.2716G>C, p.Ala906Pro (NM_001354896.2); c.2692G>C, p.Ala898Pro (NM_001354897.2); c.2587G>C, p.Ala863Pro (NM_001354898.2); c.2578G>C, p.Ala860Pro (NM_001354899.2); c.2539G>C, p.Ala847Pro (NM_001354900.2); and 6 more; short protein forms A847P, A863P, A898P, A605P, A870P, A728P, A787P, A829P.
Identifiers: ClinVar variation 1358669 (VCV001358669.9), dbSNP rs1554084353, ClinGen allele CA16027143.

ClinVar aggregate classification (germline): Uncertain significance. Review status: criteria provided, multiple submitters, no conflicts (2 of 4 stars). 2 submissions from 2 submitters: Uncertain significance (2). Last evaluated 2025-08-19.

Conditions:
Hereditary cancer-predisposing syndrome. Also called: Tumor predisposition; Hereditary neoplastic syndrome; Neoplastic Syndromes, Hereditary; Hereditary Cancer Syndrome. Identifiers: Orphanet 140162, MedGen C0027672, MeSH D009386, MONDO:0015356.
Familial adenomatous polyposis 1 (FAP1). Also called: FAMILIAL ADENOMATOUS POLYPOSIS 1, ATTENUATED; POLYPOSIS, ADENOMATOUS INTESTINAL. Identifiers: MedGen C2713442, MONDO:0021056, OMIM 175100. Disease mechanism: loss of function.

Allele frequency attached by ClinVar (database versions not stated): TOPMed below 0.00001; gnomAD 0.00001.
gnomAD v4.1: 2 of 1,614,080 alleles (0.00012%); highest among the groups gnomAD compares: African/African-American, 0.0027%; no homozygotes.

Submissions (2):

Ambry Genetics
Classification: Uncertain significance for Hereditary cancer-predisposing syndrome. Last evaluated: 2025-08-19. Review status: criteria provided, single submitter. Criteria: Ambry Variant Classification Scheme 2023. Collection method: clinical testing. Allele origin: germline.
Comment: The p.A888P variant (also known as c.2662G>C), located in coding exon 15 of the APC gene, results from a G to C substitution at nucleotide position 2662. The alanine at codon 888 is replaced by proline, an amino acid with highly similar properties. This amino acid position is conserved. In addition, in silico predictors for this gene do not accurately predict pathogenicity. Based on the available evidence, the clinical significance of this variant remains unclear.

Labcorp Genetics (formerly Invitae), Labcorp
Classification: Uncertain significance for Familial adenomatous polyposis 1. Last evaluated: 2025-06-08. Review status: criteria provided, single submitter. Criteria: Invitae Variant Classification Sherloc (09022015). Collection method: clinical testing. Allele origin: germline.
Comment: This sequence change replaces alanine, which is neutral and non-polar, with proline, which is neutral and non-polar, at codon 888 of the APC protein (p.Ala888Pro). This variant is not present in population databases (gnomAD no frequency). This variant has not been reported in the literature in individuals affected with APC-related conditions. ClinVar contains an entry for this variant (Variation ID: 1358669). Invitae Evidence Modeling of protein sequence and biophysical properties (such as structural, functional, and spatial information, amino acid conservation, physicochemical variation, residue mobility, and thermodynamic stability) indicates that this missense variant is not expected to disrupt APC protein function with a negative predictive value of 95%. In summary, the available evidence is currently insufficient to determine the role of this variant in disease. Therefore, it has been classified as a Variant of Uncertain Significance.